The following is an entry in ClinVar:

NM_004304.5(ALK):c.1698G>C (p.Leu566Phe)

Gene: ALK (ALK receptor tyrosine kinase; minus strand). Cytogenetic location: 2p23.2.
Variant type: single nucleotide variant.
Coding change: c.1698G>C on transcript NM_004304.5 (MANE Select); coding-DNA position 1698, G replaced by C.
Protein change: p.Leu566Phe; replaces leucine 566 with phenylalanine.
Molecular consequence: missense variant.
Genome position (GRCh38, 1-based): chr2:29,297,007, C>G on the plus strand (G>C on the coding strand, the complement: ALK is on the minus strand). VCF-style: chr2-29297007-C-G. GRCh37 (hg19) VCF-style: chr2-29519873-C-G.
Other names: short protein forms L566F.
Identifiers: ClinVar variation 4272980 (VCV004272980.1).

ClinVar aggregate classification (germline): Uncertain significance (1 of 4 stars; one submission).

Conditions:
Hereditary cancer-predisposing syndrome. Also called: Hereditary Cancer Syndrome; Hereditary neoplastic syndrome; Neoplastic Syndromes, Hereditary; Tumor predisposition. Identifiers: Orphanet 140162, MedGen C0027672, MeSH D009386, MONDO:0015356.

Submission:

Ambry Genetics
Classification: Uncertain significance for Hereditary cancer-predisposing syndrome. Last evaluated: 2025-08-20. Review status: criteria provided, single submitter. Criteria: Ambry Variant Classification Scheme 2023. Collection method: clinical testing. Allele origin: germline.
Comment: The p.L566F variant (also known as c.1698G>C), located in coding exon 9 of the ALK gene, results from a G to C substitution at nucleotide position 1698. The leucine at codon 566 is replaced by phenylalanine, an amino acid with highly similar properties. This amino acid position is conserved. In addition, this alteration is predicted to be tolerated by in silico analysis. Based on the available evidence, the clinical significance of this variant remains unclear.